The following is an entry in ClinVar:

ClinVar aggregate classification (germline): Pathogenic (1 of 4 stars; one submission).

Conditions:
Carnitine palmitoyl transferase 1A deficiency. Also called: Carnitine palmitoyltransferase type I deficiency; CPT deficiency, hepatic, type IA; CPT I DEFICIENCY; CPT DEFICIENCY, HEPATIC, TYPE I; Carnitine palmitoyltransferase 1A deficiency. Identifiers: Orphanet 156, MedGen C1829703, MONDO:0009705, OMIM 255120.

Submission:

Labcorp Genetics (formerly Invitae), Labcorp
Classification: Pathogenic for Carnitine palmitoyl transferase 1A deficiency. Last evaluated: 2023-10-05. Review status: criteria provided, single submitter. Criteria: Invitae Variant Classification Sherloc (09022015). Collection method: clinical testing. Allele origin: germline.
Comment: This sequence change creates a premature translational stop signal (p.Leu540Trpfs*13) in the CPT1A gene. It is expected to result in an absent or disrupted protein product. Loss-of-function variants in CPT1A are known to be pathogenic (PMID: 16169268). This variant is not present in population databases (gnomAD no frequency). This variant has not been reported in the literature in individuals affected with CPT1A-related conditions. For these reasons, this variant has been classified as Pathogenic.

Literature cited by the submitters: PubMed 16169268.

NM_001876.4(CPT1A):c.1618del (p.Leu540fs)

Gene: CPT1A (carnitine palmitoyltransferase 1A; minus strand). Cytogenetic location: 11q13.3.
Variant type: Deletion.
Coding change: c.1618del on transcript NM_001876.4 (MANE Select); coding-DNA position 1618, one base deleted (C; older notation c.1618delC).
Protein change: p.Leu540fs; shifts the reading frame from leucine 540.
Molecular consequence: frameshift variant.
Genome position (GRCh38, 1-based): chr11:68,773,387, G deleted on the plus strand (C on the coding strand, the reverse complement: CPT1A is on the minus strand). VCF-style (leftmost placement, unchanged base first): chr11-68773386-AG-A. GRCh37 (hg19) VCF-style: chr11-68540854-AG-A.
Other names: c.1618del, p.Leu540fs (NM_001031847.3); short protein forms L540fs.
Identifiers: ClinVar variation 2765794 (VCV002765794.3), dbSNP rs2495553163, ClinGen allele CA2697548763.
Genomic context (GRCh38, chr11:68,773,386, plus strand): 5'-TTGATGATTCCTTTACCAAAGGCTACGAATGGGAAGGAATGGAAATCCACGTCGTTTGCC[AG>A]AAGATTTGCGGTGTTCAGGGAGGTCTCTATAACCTCTTGACACTTGAGAGAAAGAAGAAA-3'